The following is an entry in ClinVar:

NM_001376.5(DYNC1H1):c.9851A>G (p.Lys3284Arg)

Gene: DYNC1H1 (dynein cytoplasmic 1 heavy chain 1; plus strand). Cytogenetic location: 14q32.31.
Variant type: single nucleotide variant.
Coding change: c.9851A>G on transcript NM_001376.5 (MANE Select); coding-DNA position 9851, A replaced by G.
Protein change: p.Lys3284Arg; replaces lysine 3284 with arginine.
Molecular consequence: missense variant.
Genome position (GRCh38, 1-based): chr14:102,030,250, A>G. VCF-style: chr14-102030250-A-G. GRCh37 (hg19) VCF-style: chr14-102496587-A-G.
Other names: short protein forms K3284R.
Identifiers: ClinVar variation 2823416 (VCV002823416.3), dbSNP rs2503813368, ClinGen allele CA391018421.
Genomic context (GRCh38, chr14:102,030,250, plus strand): 5'-TGCATAAGCAGCAGGAGGTAATTGCAGACAAACAGATGAGTGTCAAAGAAGATCTTGATA[A>G]GGTGGAACCTGCCGTCATTGAGGCCCAGAATGGTATGTAAAGACTGTCAGAGCTTTGATG-3'
Protein context (NP_001367.2, residues 3274-3294): KQMSVKEDLD[Lys3284Arg]VEPAVIEAQN

ClinVar aggregate classification (germline): Uncertain significance (1 of 4 stars; one submission).

Conditions:
Charcot-Marie-Tooth disease axonal type 2O. Also called: CHARCOT-MARIE-TOOTH NEUROPATHY, AXONAL, TYPE 2O; CHARCOT-MARIE-TOOTH DISEASE, AXONAL, AUTOSOMAL DOMINANT, TYPE 2O; Charcot-Marie-Tooth Neuropathy Type 2O; Charcot-Marie-Tooth disease, axonal, type 20. Identifiers: Orphanet 284232, MedGen C3280220, MONDO:0013644, OMIM 614228.

Submission:

Labcorp Genetics (formerly Invitae), Labcorp
Classification: Uncertain significance for Charcot-Marie-Tooth disease axonal type 2O. Last evaluated: 2022-12-23. Review status: criteria provided, single submitter. Criteria: Invitae Variant Classification Sherloc (09022015). Collection method: clinical testing. Allele origin: germline.
Comment: This sequence change replaces lysine, which is basic and polar, with arginine, which is basic and polar, at codon 3284 of the DYNC1H1 protein (p.Lys3284Arg). In summary, the available evidence is currently insufficient to determine the role of this variant in disease. Therefore, it has been classified as a Variant of Uncertain Significance. Advanced modeling of protein sequence and biophysical properties (such as structural, functional, and spatial information, amino acid conservation, physicochemical variation, residue mobility, and thermodynamic stability) performed at Invitae indicates that this missense variant is not expected to disrupt DYNC1H1 protein function. This variant has not been reported in the literature in individuals affected with DYNC1H1-related conditions. This variant is not present in population databases (gnomAD no frequency).